The following is an entry in ClinVar:

NM_025114.4(CEP290):c.4250A>C (p.Gln1417Pro)

Gene: CEP290 (centrosomal protein 290; minus strand). Cytogenetic location: 12q21.32.
Variant type: single nucleotide variant.
Coding change: c.4250A>C on transcript NM_025114.4 (MANE Select); coding-DNA position 4250, A replaced by C.
Protein change: p.Gln1417Pro; replaces glutamine 1417 with proline.
Molecular consequence: missense variant.
Genome position (GRCh38, 1-based): chr12:88,086,443, T>G on the plus strand (A>C on the coding strand, the complement: CEP290 is on the minus strand). VCF-style: chr12-88086443-T-G. GRCh37 (hg19) VCF-style: chr12-88480220-T-G.
Other names: short protein forms Q1417P.
Identifiers: ClinVar variation 3346028 (VCV003346028.1).

ClinVar aggregate classification (germline): Uncertain significance (0 of 4 stars; one submission).

Conditions:
CEP290-related disorder. Also called: CEP290-related condition; CEP290-related disorders. Identifiers: MedGen CN239314.

gnomAD v4.1: 1 of 1,600,996 alleles (0.000062%); highest among the groups gnomAD compares: Non-Finnish European, 0.000085%; no homozygotes.

Submission:

PreventionGenetics, part of Exact Sciences
Classification: Uncertain significance for CEP290-related condition. Last evaluated: 2024-09-20. Review status: no assertion criteria provided. Collection method: clinical testing. Allele origin: germline.
Comment: The CEP290 c.4250A>C variant is predicted to result in the amino acid substitution p.Gln1417Pro. To our knowledge, this variant has not been reported in the literature or in a large population database, indicating this variant is rare. At this time, the clinical significance of this variant is uncertain due to the absence of conclusive functional and genetic evidence.